The following is an entry in ClinVar:

NM_001367624.2(ZNF469):c.8206G>A (p.Asp2736Asn)

Gene: ZNF469 (zinc finger protein 469; plus strand). Cytogenetic location: 16q24.2.
Variant type: single nucleotide variant.
Coding change: c.8206G>A on transcript NM_001367624.2 (MANE Select); coding-DNA position 8206, G replaced by A.
Protein change: p.Asp2736Asn; replaces aspartic acid 2736 with asparagine.
Molecular consequence: missense variant.
Genome position (GRCh38, 1-based): chr16:88,435,676, G>A. VCF-style: chr16-88435676-G-A. GRCh37 (hg19) VCF-style: chr16-88502084-G-A.
Other names: NM_001127464.1:c.8122G>A; p.Asp2736Asn; short protein forms D2736N.
Identifiers: ClinVar variation 1762098 (VCV001762098.6), dbSNP rs374110064, ClinGen allele CA8225314.

ClinVar aggregate classification (germline): Uncertain significance. Review status: criteria provided, multiple submitters, no conflicts (2 of 4 stars). 4 submissions from 4 submitters: Uncertain significance (4). Last evaluated 2025-09-10.

Conditions:
Cardiovascular phenotype. Identifiers: MedGen CN230736.

Allele frequency attached by ClinVar (database versions not stated): ExAC 0.00005; ESP Exome Variant Server 0.00022.
gnomAD v4.1: 49 of 1,550,604 alleles (0.0032%); highest among the groups gnomAD compares: Middle Eastern, 0.017%; no homozygotes.

Submissions (4):

Women's Health and Genetics/Laboratory Corporation of America, LabCorp
Classification: Uncertain significance. Last evaluated: 2025-09-10. Review status: criteria provided, single submitter. Criteria: LabCorp Variant Classification Summary - May 2015. Collection method: clinical testing. Allele origin: germline.
Comment: Variant summary: ZNF469 c.8206G>A (p.Asp2736Asn) results in a conservative amino acid change in the encoded protein sequence. Algorithms developed to predict the effect of missense changes on protein structure and function all suggest that this variant is likely to be tolerated. The variant allele was found at a frequency of 1.3e-05 in 153980 control chromosomes. The available data on variant occurrences in the general population are insufficient to allow any conclusion about variant significance. To our knowledge, no occurrence of c.8206G>A in individuals affected with ZNF469-related Brittle cornea syndrome 1 and no experimental evidence demonstrating its impact on protein function have been reported. ClinVar contains an entry for this variant (Variation ID: 1762098). Based on the evidence outlined above, the variant was classified as uncertain significance.

Labcorp Genetics (formerly Invitae), Labcorp
Classification: Uncertain significance. Last evaluated: 2025-05-04. Review status: criteria provided, single submitter. Criteria: Invitae Variant Classification Sherloc (09022015). Collection method: clinical testing. Allele origin: germline.
Comment: This sequence change replaces aspartic acid, which is acidic and polar, with asparagine, which is neutral and polar, at codon 2708 of the ZNF469 protein (p.Asp2708Asn). This variant is present in population databases (rs374110064, gnomAD 0.01%). This variant has not been reported in the literature in individuals affected with ZNF469-related conditions. ClinVar contains an entry for this variant (Variation ID: 1762098). An algorithm developed to predict the effect of missense changes on protein structure and function (PolyPhen-2) suggests that this variant is likely to be tolerated. In summary, the available evidence is currently insufficient to determine the role of this variant in disease. Therefore, it has been classified as a Variant of Uncertain Significance.

Ambry Genetics
Classification: Uncertain significance for Cardiovascular phenotype. Last evaluated: 2025-01-06. Review status: criteria provided, single submitter. Criteria: Ambry Variant Classification Scheme 2023. Collection method: clinical testing. Allele origin: germline.
Comment: The p.D2708N variant (also known as c.8122G>A), located in coding exon 2 of the ZNF469 gene, results from a G to A substitution at nucleotide position 8122. The aspartic acid at codon 2708 is replaced by asparagine, an amino acid with highly similar properties. This amino acid position is conserved. In addition, this alteration is predicted to be tolerated by in silico analysis. Since supporting evidence is limited at this time, the clinical significance of this alteration remains unclear.

Mayo Clinic Laboratories, Mayo Clinic
Classification: Uncertain significance. Last evaluated: 2024-09-04. Review status: criteria provided, single submitter. Criteria: ACMG Guidelines, 2015. Collection method: clinical testing. Allele origin: germline. Observed: 1 variant allele.
Comment: BP4